The following is an entry in ClinVar:

NM_000051.4(ATM):c.1065+9_1065+12del

Gene: ATM (ATM serine/threonine kinase; plus strand). Cytogenetic location: 11q22.3.
Variant type: Microsatellite.
Coding change: c.1065+9_1065+12del on transcript NM_000051.4 (MANE Select); bases 9 to 12 of the intron after coding-DNA position 1065, 4 bases deleted (AGTA; older notation c.1065+9_1065+12delAGTA).
Molecular consequence: intron variant.
Genome position (GRCh38, 1-based): chr11:108,247,136-108,247,139, AGTA deleted; deleting any 4 consecutive bases within chr11:108,247,132-108,247,139 gives the same sequence; the c. name uses the placement nearest the transcript's 3' end. VCF-style (leftmost placement, unchanged base first): chr11-108247131-CAGTA-C. GRCh37 (hg19) VCF-style: chr11-108117858-CAGTA-C.
Other names: c.1065+9_1065+12del (NM_001351834.2).
Identifiers: ClinVar variation 1332535 (VCV001332535.11), dbSNP rs1486083030, ClinGen allele CA602132503.

ClinVar aggregate classification (germline): Likely benign. Review status: criteria provided, multiple submitters, no conflicts (2 of 4 stars). 3 submissions from 3 submitters: Likely benign (3). Last evaluated 2025-12-29.

Conditions:
Hereditary cancer-predisposing syndrome. Also called: Hereditary Cancer Syndrome; Hereditary neoplastic syndrome; Neoplastic Syndromes, Hereditary; Tumor predisposition. Identifiers: Orphanet 140162, MedGen C0027672, MeSH D009386, MONDO:0015356.
Familial cancer of breast. Also called: BREAST CANCER, FAMILIAL; hereditary breast carcinoma; Hereditary breast cancer. Identifiers: Orphanet 227535, MedGen C0346153, MONDO:0016419, OMIM 114480. Disease mechanism: loss of function.
Ataxia-telangiectasia syndrome (AT). Also called: LOUIS-BAR SYNDROME; Cerebello-oculocutaneous telangiectasia; Immunodeficiency with ataxia telangiectasia; Ataxia-telangiectasia, complementation group D; AT, COMPLEMENTATION GROUP C; ATAXIA-TELANGIECTASIA, COMPLEMENTATION GROUP A. Identifiers: Orphanet 100, MedGen C0004135, MONDO:0008840, OMIM 208900.

Submissions (3):

Labcorp Genetics (formerly Invitae), Labcorp
Classification: Likely benign for Ataxia-telangiectasia syndrome. Last evaluated: 2025-12-29. Review status: criteria provided, single submitter. Criteria: Invitae Variant Classification Sherloc (09022015). Collection method: clinical testing. Allele origin: germline.

Myriad Genetics, Inc.
Classification: Likely benign for Familial cancer of breast. Last evaluated: 2024-04-24. Review status: criteria provided, single submitter. Criteria: Myriad Autosomal Dominant, Autosomal Recessive and X-Linked Classification Criteria (2023). Collection method: clinical testing. Allele origin: unknown.
Comment: This variant is considered likely benign. This variant is intronic and is not expected to impact mRNA splicing.

Color Diagnostics, LLC DBA Color Health
Classification: Likely benign for Hereditary cancer-predisposing syndrome. Last evaluated: 2021-04-16. Review status: criteria provided, single submitter. Criteria: ACMG Guidelines, 2015. Collection method: clinical testing. Allele origin: germline.